The following is an entry in ClinVar:

NM_024753.5(TTC21B):c.2760T>G (p.Ile920Met)

Gene: TTC21B (tetratricopeptide repeat domain 21B; minus strand). Cytogenetic location: 2q24.3.
Variant type: single nucleotide variant.
Coding change: c.2760T>G on transcript NM_024753.5 (MANE Select); coding-DNA position 2760, T replaced by G.
Protein change: p.Ile920Met; replaces isoleucine 920 with methionine.
Molecular consequence: missense variant.
Genome position (GRCh38, 1-based): chr2:165,899,878, A>C on the plus strand (T>G on the coding strand, the complement: TTC21B is on the minus strand). VCF-style: chr2-165899878-A-C. GRCh37 (hg19) VCF-style: chr2-166756388-A-C.
Other names: short protein forms I920M.
Identifiers: ClinVar variation 2062873 (VCV002062873.4), dbSNP rs762494767, ClinGen allele CA1941707.

ClinVar aggregate classification (germline): Uncertain significance (1 of 4 stars; one submission).

Conditions:
Jeune thoracic dystrophy. Also called: Infantile thoracic dystrophy; Thoracic pelvic phalangeal dystrophy; Jeune's syndrome; Chondroectodermal dysplasia-like syndrome; Short-rib thoracic dysplasia; Jeune syndrome. Identifiers: Orphanet 474, MedGen C0265275, MONDO:0018770.
Nephronophthisis. Also called: Juvenile Nephronophthisis. Identifiers: Orphanet 655, MedGen C0687120, MONDO:0019005, HP:0000090.

Allele frequency attached by ClinVar (database versions not stated): gnomAD exomes below 0.00001; ExAC 0.00001.
gnomAD v4.1: 2 of 1,601,670 alleles (0.00012%); highest among the groups gnomAD compares: Non-Finnish European, 0.00017%; no homozygotes.

Submission:

Labcorp Genetics (formerly Invitae), Labcorp
Classification: Uncertain significance for Jeune thoracic dystrophy; Nephronophthisis. Last evaluated: 2022-06-03. Review status: criteria provided, single submitter. Criteria: Invitae Variant Classification Sherloc (09022015). Collection method: clinical testing. Allele origin: germline.
Comment: In summary, the available evidence is currently insufficient to determine the role of this variant in disease. Therefore, it has been classified as a Variant of Uncertain Significance. Algorithms developed to predict the effect of sequence changes on RNA splicing suggest that this variant may create or strengthen a splice site. Algorithms developed to predict the effect of missense changes on protein structure and function (SIFT, PolyPhen-2, Align-GVGD) all suggest that this variant is likely to be tolerated. This variant has not been reported in the literature in individuals affected with TTC21B-related conditions. This variant is present in population databases (rs762494767, gnomAD 0.0009%). This sequence change replaces isoleucine, which is neutral and non-polar, with methionine, which is neutral and non-polar, at codon 920 of the TTC21B protein (p.Ile920Met).